The following is an entry in ClinVar:

ClinVar aggregate classification (germline): Conflicting classifications of pathogenicity. Review status: criteria provided, conflicting classifications (1 of 4 stars). 9 submissions from 8 submitters: Uncertain significance (1); Benign (3); Likely benign (4). 1 of the submissions does not count toward it. Last evaluated 2026-05-22.

Conditions:
Hypercholesterolemia, autosomal dominant, type B (FHCL2). Also called: Familial Hypercholesterolemia Type B; APOLIPOPROTEIN B-100, FAMILIAL DEFECTIVE; APOLIPOPROTEIN B-100, FAMILIAL LIGAND-DEFECTIVE; HYPERCHOLESTEROLEMIA, FAMILIAL, DUE TO LIGAND-DEFECTIVE APOLIPOPROTEIN B; APOB-Related Familial Hypercholesterolemia, Autosomal Dominant; Familial hypercholesterolemia 2. Identifiers: MedGen C1704417, MONDO:0007751, OMIM 144010.
Familial hypobetalipoproteinemia 1. Also called: Hypobetalipoproteinemia, normotriglyceridemic; Acanthocytosis with hypobetalipoproteinemia; APOB-Related Familial Hypobetalipoproteinemia. Identifiers: MedGen C4551990, MONDO:0014252, OMIM 615558.
APOB-related disorder. Also called: APOB-related condition; APOB-related disorders.
Cardiovascular phenotype. Identifiers: MedGen CN230736.
Familial hypercholesterolemia. Also called: Familial hypercholesterolemias; Familial hypercholesterolaemia. Identifiers: MedGen C0020445, MONDO:0005439.

Allele frequency attached by ClinVar (database versions not stated): gnomAD exomes 0.00038 and 0.00069; ExAC 0.00086; 1000 Genomes Project 30x 0.00125; 1000 Genomes Project 0.00160; gnomAD 0.00003 and 0.00025; TOPMed 0.00003.
gnomAD v4.1: 589 of 1,614,044 alleles (0.036%); highest among the groups gnomAD compares: South Asian, 0.55%; 6 homozygotes.

Submissions (9):

Cambridge Genomics Laboratory, East Genomic Laboratory Hub, NHS Genomic Medicine Service
Classification: Benign for Familial hypercholesterolaemia. Last evaluated: 2026-05-22. Review status: criteria provided, single submitter. Criteria: ACGS Best Practice Guidelines for Variant Classification in Rare Disease 2020. Collection method: clinical testing. Allele origin: germline. Affected: yes.

Labcorp Genetics (formerly Invitae), Labcorp
Classification: Benign for Familial hypobetalipoproteinemia 1; Hypercholesterolemia, autosomal dominant, type B. Last evaluated: 2025-11-21. Review status: criteria provided, single submitter. Criteria: Invitae Variant Classification Sherloc (09022015). Collection method: clinical testing. Allele origin: germline.

Blueprint Genetics
Classification: Likely benign. Last evaluated: 2024-03-01. Review status: criteria provided, single submitter. Criteria: ACMG Guidelines, 2015. Collection method: clinical testing. Allele origin: germline.

Quest Diagnostics Nichols Institute San Juan Capistrano
Classification: Benign. Last evaluated: 2021-07-21. Review status: criteria provided, single submitter. Criteria: Quest Diagnostics criteria. Collection method: clinical testing. Allele origin: unknown.

GeneDx
Classification: Likely benign. Last evaluated: 2018-07-30. Review status: criteria provided, single submitter. Criteria: GeneDx Variant Classification Process June 2021. Collection method: clinical testing. Allele origin: germline. Affected: yes.
Comment: See Variant Classification Assertion Criteria.

Ambry Genetics
Classification: Likely benign for Cardiovascular phenotype. Last evaluated: 2018-05-30. Review status: criteria provided, single submitter. Criteria: Ambry Variant Classification Scheme 2023. Collection method: clinical testing. Allele origin: germline.

Illumina Laboratory Services, Illumina
Classification: Likely benign for Hypercholesterolemia, autosomal dominant, type B. Last evaluated: 2018-01-13. Review status: criteria provided, single submitter. Criteria: ICSL Variant Classification Criteria 13 December 2019. Collection method: clinical testing. Allele origin: germline.
Comment: This variant was observed in the ICSL laboratory as part of a predisposition screen in an ostensibly healthy population. It had not been previously curated by ICSL or reported in the Human Gene Mutation Database (HGMD: prior to June 1st, 2018), and was therefore a candidate for classification through an automated scoring system. Utilizing variant allele frequency, disease prevalence and penetrance estimates, and inheritance mode, an automated score was calculated to assess if this variant is too frequent to cause the disease. Based on the score and internal cut-off values, a variant classified as likely benign is not then subjected to further curation. The score for this variant resulted in a classification of likely benign for this disease.

Illumina Laboratory Services, Illumina
Classification: Uncertain significance for Familial hypobetalipoproteinemia 1. Last evaluated: 2018-01-13. Review status: criteria provided, single submitter. Criteria: ICSL Variant Classification Criteria 13 December 2019. Collection method: clinical testing. Allele origin: germline.

PreventionGenetics, part of Exact Sciences
Classification: Likely benign for APOB-related condition. Last evaluated: 2019-10-28. Review status: no assertion criteria provided. Collection method: clinical testing. Allele origin: germline. Not counted in ClinVar's aggregate classification.
Comment: This variant is classified as likely benign based on ACMG/AMP sequence variant interpretation guidelines (Richards et al. 2015 PMID: 25741868, with internal and published modifications).

NM_000384.3(APOB):c.3034G>A (p.Glu1012Lys)

Gene: APOB (apolipoprotein B; minus strand). Cytogenetic location: 2p24.1.
Variant type: single nucleotide variant.
Coding change: c.3034G>A on transcript NM_000384.3 (MANE Select); coding-DNA position 3034, G replaced by A.
Protein change: p.Glu1012Lys; replaces glutamic acid 1012 with lysine.
Molecular consequence: missense variant.
Genome position (GRCh38, 1-based): chr2:21,019,079, C>T on the plus strand (G>A on the coding strand, the complement: APOB is on the minus strand). VCF-style: chr2-21019079-C-T. GRCh37 (hg19) VCF-style: chr2-21241951-C-T.
Other names: short protein forms E1012K.
Identifiers: ClinVar variation 334160 (VCV000334160.27), dbSNP rs575505383, ClinGen allele CA057812.